The following is an entry in ClinVar:

ClinVar aggregate classification (germline): Uncertain significance (1 of 4 stars; one submission).

Submission:

Women's Health and Genetics/Laboratory Corporation of America, LabCorp
Classification: Uncertain significance. Last evaluated: 2024-09-11. Review status: criteria provided, single submitter. Criteria: LabCorp Variant Classification Summary - May 2015. Collection method: clinical testing. Allele origin: germline.
Comment: Variant summary: DACT1 c.2185G>T (p.Glu729X) results in a premature termination codon, predicted to cause a truncation of the encoded protein, however it is not expected to result in nonsense mediated decay and current evidence is not sufficient to establish loss of function as a mechanism for disease. The variant was absent in 251316 control chromosomes. The available data on variant occurrences in the general population are insufficient to allow any conclusion about variant significance. To our knowledge, no occurrence of c.2185G>T in individuals affected with Townes-Brocks Syndrome 2 and no experimental evidence demonstrating its impact on protein function have been reported. No submitters have cited clinical-significance assessments for this variant to ClinVar. Based on the evidence outlined above, the variant was classified as uncertain significance.

NM_001079520.2(DACT1):c.2074G>T (p.Glu692Ter)

Gene: DACT1 (dishevelled binding antagonist of beta catenin 1; plus strand). Cytogenetic location: 14q23.1.
Variant type: single nucleotide variant.
Coding change: c.2074G>T on transcript NM_001079520.2 (MANE Select); coding-DNA position 2074, G replaced by T.
Protein change: p.Glu692Ter; replaces glutamic acid 692 with a stop codon.
Molecular consequence: nonsense. On other transcripts: non-coding transcript variant (5).
Genome position (GRCh38, 1-based): chr14:58,646,808, G>T. VCF-style: chr14-58646808-G-T. GRCh37 (hg19) VCF-style: chr14-59113526-G-T.
Other names: c.2185G>T, p.Glu729Ter (NM_016651.6); short protein forms E692*, E729*.
Identifiers: ClinVar variation 3374898 (VCV003374898.1).